The following is an entry in ClinVar:

ClinVar aggregate classification (germline): Likely benign (1 of 4 stars; one submission).

gnomAD v4.1: 1 of 1,218,620 alleles (0.000082%); highest among the groups gnomAD compares: Non-Finnish European, 0.0001%; no homozygotes.

Submission:

CeGaT Center for Human Genetics Tuebingen
Classification: Likely benign. Last evaluated: 2026-09-01. Review status: criteria provided, single submitter. Criteria: CeGaT Center For Human Genetics Tuebingen Variant Classification Criteria Version 2. Collection method: clinical testing. Allele origin: germline. Affected: yes. Observed: 1 variant allele.
Comment: LAMA5: BP4, BP7

NM_005560.6(LAMA5):c.42C>T (p.Arg14=)

Genes: LAMA5 (laminin subunit alpha 5; minus strand), LOC130066305 (ATAC-STARR-seq lymphoblastoid silent region 13109; plus strand). Cytogenetic location: 20q13.33.
Variant type: single nucleotide variant.
Coding change: c.42C>T on transcript NM_005560.6 (MANE Select); coding-DNA position 42, C replaced by T.
Protein change: p.Arg14=; no amino-acid change (arginine 14 retained).
Molecular consequence: synonymous variant.
Genome position (GRCh38, 1-based): chr20:62,367,204, G>A on the plus strand (C>T on the coding strand, the complement: LAMA5 is on the minus strand). VCF-style: chr20-62367204-G-A. GRCh37 (hg19) VCF-style: chr20-60942260-G-A.
Identifiers: ClinVar variation 5041782 (VCV005041782.1).
Genomic context (GRCh38, chr20:62,367,204, plus strand): 5'-CCGCGCCGCGCCCAGCAGCGCCAGCCCGACCAGCAGCAGCGGCGCGGGGCCCCGGGGGCC[G>A]CGAACACACAGTGCGCTCCCCGCGCAGAGCCGCTTCGCCATCTTCCCGGCTCCGGGCCGC-3'
Protein context (NP_005551.3, residues 4-24): RLCAGSALCV[Arg14=]GPRGPAPLLL